The following is an entry in ClinVar:

ClinVar aggregate classification (germline): Conflicting classifications of pathogenicity. Review status: criteria provided, conflicting classifications (1 of 4 stars). 4 submissions from 4 submitters: Uncertain significance (3); Likely benign (1). Last evaluated 2025-10-28.

Conditions:
Inborn genetic diseases. Identifiers: MedGen C0950123, MeSH D030342.
LAMA2-related muscular dystrophy (LAMA2-RD). Also called: Laminin alpha 2-related dystrophy. Identifiers: MedGen C5679788, MONDO:0100228.

Allele frequency attached by ClinVar (database versions not stated): TOPMed 0.00014; ESP Exome Variant Server 0.00015; 1000 Genomes Project 0.00020; 1000 Genomes Project 30x 0.00031.
gnomAD v4.1: 23 of 1,613,852 alleles (0.0014%); highest among the groups gnomAD compares: African/African-American, 0.031%; no homozygotes.

Submissions (4):

Labcorp Genetics (formerly Invitae), Labcorp
Classification: Likely benign for LAMA2-related muscular dystrophy. Last evaluated: 2025-10-28. Review status: criteria provided, single submitter. Criteria: Invitae Variant Classification Sherloc (09022015). Collection method: clinical testing. Allele origin: germline.

Mayo Clinic Laboratories, Mayo Clinic
Classification: Uncertain significance. Last evaluated: 2024-07-17. Review status: criteria provided, single submitter. Criteria: ACMG Guidelines, 2015. Collection method: clinical testing. Allele origin: germline. Observed: 1 variant allele.
Comment: BP4, PM2

Ambry Genetics
Classification: Uncertain significance for Inborn genetic diseases. Last evaluated: 2022-09-14. Review status: criteria provided, single submitter. Criteria: Ambry Variant Classification Scheme 2023. Collection method: clinical testing. Allele origin: germline.

Revvity Omics, Revvity
Classification: Uncertain significance. Last evaluated: 2019-12-03. Review status: criteria provided, single submitter. Criteria: ACMG Guidelines, 2015. Collection method: clinical testing. Allele origin: germline.

NM_000426.4(LAMA2):c.4768G>A (p.Glu1590Lys)

Gene: LAMA2 (laminin subunit alpha 2; plus strand). Cytogenetic location: 6q22.33.
Variant type: single nucleotide variant.
Coding change: c.4768G>A on transcript NM_000426.4 (MANE Select); coding-DNA position 4768, G replaced by A.
Protein change: p.Glu1590Lys; replaces glutamic acid 1590 with lysine.
Molecular consequence: missense variant.
Genome position (GRCh38, 1-based): chr6:129,366,269, G>A. VCF-style: chr6-129366269-G-A. GRCh37 (hg19) VCF-style: chr6-129687414-G-A.
Other names: p.Glu1590Lys; c.4768G>A, p.Glu1590Lys (NM_001079823.2); short protein forms E1590K.
Identifiers: ClinVar variation 968124 (VCV000968124.10), dbSNP rs143206604, ClinGen allele CA3993664.